The following is an entry in ClinVar:

NM_000089.4(COL1A2):c.2342G>A (p.Gly781Asp)

Gene: COL1A2 (collagen type I alpha 2 chain; plus strand). Cytogenetic location: 7q21.3.
Variant type: single nucleotide variant.
Coding change: c.2342G>A on transcript NM_000089.4 (MANE Select); coding-DNA position 2342, G replaced by A.
Protein change: p.Gly781Asp; replaces glycine 781 with aspartic acid.
Molecular consequence: missense variant.
Genome position (GRCh38, 1-based): chr7:94,421,055, G>A. VCF-style: chr7-94421055-G-A. GRCh37 (hg19) VCF-style: chr7-94050367-G-A.
Other names: short protein forms G781D.
Identifiers: ClinVar variation 452615 (VCV000452615.4), dbSNP rs1057524873, ClinGen allele CA368223741.

ClinVar aggregate classification (germline): Pathogenic. Review status: criteria provided, single submitter (1 of 4 stars). 2 submissions from 2 submitters: Pathogenic (1). 1 of the submissions does not count toward it. Last evaluated 2020-06-26.

Conditions:
COL1A2-related disorder. Also called: COL1A2-related condition; COL1A2-Related Disorders.

Submissions (2):

GeneDx
Classification: Pathogenic. Last evaluated: 2020-06-26. Review status: criteria provided, single submitter. Criteria: GeneDx Variant Classification Process June 2021. Collection method: clinical testing. Allele origin: germline. Affected: yes.
Comment: Occurs in the triple helical domain and replaces the glycine in the canonical Gly- X-Y repeat; missense substitution of a canonical glycine residue is expected to disrupt normal protein folding and function, and this is an established mechanism of disease (Stenson et al., 2014); Not observed in large population cohorts (Lek et al., 2016); In silico analysis supports that this missense variant has a deleterious effect on protein structure/function; Has not been previously published as pathogenic or benign to our knowledge

PreventionGenetics, part of Exact Sciences
Classification: Pathogenic for COL1A2-related condition. Last evaluated: 2024-05-09. Review status: no assertion criteria provided. Collection method: clinical testing. Allele origin: germline. Not counted in ClinVar's aggregate classification.
Comment: The COL1A2 c.2342G>A variant is predicted to result in the amino acid substitution p.Gly781Asp. To our knowledge, this variant has not been reported in the literature or in a large population database, indicating this variant is rare. The p.Gly781 residue is located in the conserved Gly-Xaa-Yaa triple helical domain where substitutions of a glycine are usually pathogenic (Marini et al. 2007. PubMed ID: 17078022). Other substitutions of p.Gly781 (p.Gly781Ser, p.Gly781Arg, p.Gly781Cys) have been classified as disease-causing in association with osteogenesis imperfecta (Liu et al. 2017. PubMed ID: 28725987; Li et al. 2019. PubMed ID: 30715774, see table S1; and Shi et al. 2019. PubMed ID: 31680973). This variant is interpreted as pathogenic.